The following is an entry in ClinVar:

NM_153766.3(KCNJ1):c.98A>C (p.Glu33Ala)

Gene: KCNJ1 (potassium inwardly rectifying channel subfamily J member 1; minus strand). Cytogenetic location: 11q24.3.
Variant type: single nucleotide variant.
Coding change: c.98A>C on transcript NM_153766.3 (MANE Select); coding-DNA position 98, A replaced by C.
Protein change: p.Glu33Ala; replaces glutamic acid 33 with alanine.
Molecular consequence: missense variant.
Genome position (GRCh38, 1-based): chr11:128,840,146, T>G on the plus strand (A>C on the coding strand, the complement: KCNJ1 is on the minus strand). VCF-style: chr11-128840146-T-G. GRCh37 (hg19) VCF-style: chr11-128710041-T-G.
Other names: c.155A>C, p.Glu52Ala (NM_000220.6); c.98A>C, p.Glu33Ala (NM_153764.3, NM_153767.4); c.149A>C, p.Glu50Ala (NM_153765.3); short protein forms E33A, E52A, E50A.
Identifiers: ClinVar variation 64390 (VCV000064390.2), dbSNP rs387907438, ClinGen allele CA216038.
Genomic context (GRCh38, chr11:128,840,146, plus strand): 5'-ACCGTTGTCCAGATGTCCACAAAGAATATAAACCTTGACTGTGCCTCCACATTGCCAAAT[T>G]CTATGTTGCACCTTCCATCTTTGGAGACTAGCCTTGCTCTTTGCCGAGAATGCCCAAAAA-3'
Protein context (NP_722450.1, residues 23-43): LVSKDGRCNI[Glu33Ala]FGNVEAQSRF

ClinVar aggregate classification (germline): Uncertain significance (0 of 4 stars; one submission).

Submission:

Martin Pollak Laboratory,  Beth Israel Deaconess Medical Center
Classification: Uncertain significance. Review status: no assertion criteria provided. Collection method: not provided. Allele origin: unknown.
Comment: Lower UCa2+ group
ClinVar note: Converted during submission from unknown to Uncertain significance.